The following is an entry in ClinVar:

ClinVar aggregate classification (germline): Uncertain significance. Review status: criteria provided, multiple submitters, no conflicts (2 of 4 stars). 2 submissions from 2 submitters: Uncertain significance (2). Last evaluated 2025-05-28.

Submissions (2):

Revvity Omics, Revvity
Classification: Uncertain significance. Last evaluated: 2025-05-28. Review status: criteria provided, single submitter. Criteria: ACMG Guidelines, 2015. Collection method: clinical testing. Allele origin: germline.

Labcorp Genetics (formerly Invitae), Labcorp
Classification: Uncertain significance. Last evaluated: 2024-03-03. Review status: criteria provided, single submitter. Criteria: Invitae Variant Classification Sherloc (09022015). Collection method: clinical testing. Allele origin: germline.
Comment: This sequence change replaces tyrosine, which is neutral and polar, with histidine, which is basic and polar, at codon 1888 of the SCN3A protein (p.Tyr1888His). This variant is not present in population databases (gnomAD no frequency). This variant has not been reported in the literature in individuals affected with SCN3A-related conditions. ClinVar contains an entry for this variant (Variation ID: 2186686). Advanced modeling of protein sequence and biophysical properties (such as structural, functional, and spatial information, amino acid conservation, physicochemical variation, residue mobility, and thermodynamic stability) has been performed at Invitae for this missense variant, however the output from this modeling did not meet the statistical confidence thresholds required to predict the impact of this variant on SCN3A protein function. In summary, the available evidence is currently insufficient to determine the role of this variant in disease. Therefore, it has been classified as a Variant of Uncertain Significance.

NM_006922.4(SCN3A):c.5662T>C (p.Tyr1888His)

Gene: SCN3A (sodium voltage-gated channel alpha subunit 3; minus strand). Cytogenetic location: 2q24.3.
Variant type: single nucleotide variant.
Coding change: c.5662T>C on transcript NM_006922.4 (MANE Select); coding-DNA position 5662, T replaced by C.
Protein change: p.Tyr1888His; replaces tyrosine 1888 with histidine.
Molecular consequence: missense variant.
Genome position (GRCh38, 1-based): chr2:165,090,491, A>G on the plus strand (T>C on the coding strand, the complement: SCN3A is on the minus strand). VCF-style: chr2-165090491-A-G. GRCh37 (hg19) VCF-style: chr2-165947001-A-G.
Other names: c.5515T>C, p.Tyr1839His (NM_001081676.2, NM_001081677.2); short protein forms Y1888H, Y1839H.
Identifiers: ClinVar variation 2186686 (VCV002186686.5), dbSNP rs2468037567, ClinGen allele CA349010428.
Genomic context (GRCh38, chr2:165,090,491, plus strand): 5'-GAATGATAGCGGCAGACACCTCCTCTTGTTTACGTTTCAAAGTGGTTGTAATAGGCTCAT[A>G]AGAGACTTTGGAGGGGTTTGATGCCATAAACCTGTCTTCCATCTGTATTCGAAGGGCATC-3'
Protein context (NP_008853.3, residues 1878-1898): FMASNPSKVS[Tyr1888His]EPITTTLKRK